The following is an entry in ClinVar:

NM_001943.5(DSG2):c.2181del (p.Arg728fs)

Genes: DSG2 (desmoglein 2; plus strand), DSG2-AS1 (DSG2 antisense RNA 1; minus strand). Cytogenetic location: 18q12.1.
Variant type: Deletion.
Coding change: c.2181del on transcript NM_001943.5 (MANE Select); coding-DNA position 2181, one base deleted (T; older notation c.2181delT).
Protein change: p.Arg728fs; shifts the reading frame from arginine 728.
Molecular consequence: frameshift variant.
Genome position (GRCh38, 1-based): chr18:31,542,699, T deleted. VCF-style (leftmost placement, unchanged base first): chr18-31542698-GT-G. GRCh37 (hg19) VCF-style: chr18-29122661-GT-G.
Other names: c.2181del (NM_001943.3); short protein forms R728fs.
Identifiers: ClinVar variation 2775234 (VCV002775234.3), dbSNP rs2073276598, ClinGen allele CA2293864656.

ClinVar aggregate classification (germline): Conflicting classifications of pathogenicity. Review status: criteria provided, conflicting classifications (1 of 4 stars). 2 submissions from 2 submitters: Likely pathogenic (1); Uncertain significance (1). Last evaluated 2024-10-17.

Conditions:
Cardiomyopathy (CMYO). Also called: Cardiomyopathies. Identifiers: Orphanet 167848, MedGen C0878544, MONDO:0004994, HP:0001638. Inheritance: Various modes of inheritance.

Allele frequency attached by ClinVar (database versions not stated): TOPMed below 0.00001.

Submissions (2):

GeneDx
Classification: Likely pathogenic. Last evaluated: 2024-10-17. Review status: criteria provided, single submitter. Criteria: GeneDx Variant Classification Process June 2021. Collection method: clinical testing. Allele origin: germline. Affected: yes.
Comment: Frameshift variant predicted to result in protein truncation or nonsense mediated decay in a gene for which loss of function is a known mechanism of disease; Not observed at significant frequency in large population cohorts (gnomAD); Has not been previously published as pathogenic or benign to our knowledge

Color Diagnostics, LLC DBA Color Health
Classification: Uncertain significance for Cardiomyopathy. Last evaluated: 2021-12-13. Review status: criteria provided, single submitter. Criteria: ACMG Guidelines, 2015. Collection method: clinical testing. Allele origin: germline.
Comment: This variant deletes 1 nucleotide in exon 14 of the DSG2 gene, creating a frameshift and premature translation stop signal. This variant is expected to result in an absent or non-functional protein product. To our knowledge, this variant has not been reported in individuals affected with cardiovascular disorders in the literature. This variant has not been identified in the general population by the Genome Aggregation Database (gnomAD). Although there is a suspicion for a pathogenic role, clinical relevance of loss-of-function DSG2 truncation and splice variants in autosomal dominant arrhythmogenic cardiomyopathy is not yet clearly established. The available evidence is insufficient to determine the role of this variant in disease conclusively. Therefore, this variant is classified as a Variant of Uncertain Significance.